The following is an entry in ClinVar:

NM_001128840.3(CACNA1D):c.3786+5G>A

Gene: CACNA1D (calcium voltage-gated channel subunit alpha1 D; plus strand). Cytogenetic location: 3p21.1.
Variant type: single nucleotide variant.
Coding change: c.3786+5G>A on transcript NM_001128840.3 (MANE Select); 5 bases into the intron after coding-DNA position 3786, G replaced by A.
Molecular consequence: intron variant.
Genome position (GRCh38, 1-based): chr3:53,753,687, G>A. VCF-style: chr3-53753687-G-A. GRCh37 (hg19) VCF-style: chr3-53787714-G-A.
Other names: c.3786+5G>A (NM_001128839.3); c.3846+5G>A (NM_000720.4).
Identifiers: ClinVar variation 1449169 (VCV001449169.8), dbSNP rs774050196, ClinGen allele CA2454670.

ClinVar aggregate classification (germline): Uncertain significance. Review status: criteria provided, multiple submitters, no conflicts (2 of 4 stars). 3 submissions from 3 submitters: Uncertain significance (3). Last evaluated 2025-07-06.

Conditions:
Aldosterone-producing adenoma with seizures and neurological abnormalities. Also called: Primary aldosteronism, seizures, and neurologic abnormalities. Identifiers: Orphanet 369929, MedGen C3809609, MONDO:0014200, OMIM 615474.
Sinoatrial node dysfunction and deafness (SANDD). Identifiers: Orphanet 324321, MedGen C3554018, MONDO:0013960, OMIM 614896.

Allele frequency attached by ClinVar (database versions not stated): gnomAD exomes below 0.00001 and 0.00001; ExAC 0.00001; gnomAD 0.00001; TOPMed 0.00001.
gnomAD v4.1: 14 of 1,558,490 alleles (0.0009%); highest among the groups gnomAD compares: African/African-American, 0.0014%; no homozygotes.

Submissions (3):

Labcorp Genetics (formerly Invitae), Labcorp
Classification: Uncertain significance. Last evaluated: 2025-07-06. Review status: criteria provided, single submitter. Criteria: Invitae Variant Classification Sherloc (09022015). Collection method: clinical testing. Allele origin: germline.
Comment: This sequence change falls in intron 30 of the CACNA1D gene. It does not directly change the encoded amino acid sequence of the CACNA1D protein. It affects a nucleotide within the consensus splice site. This variant is present in population databases (rs774050196, gnomAD 0.0009%). This variant has not been reported in the literature in individuals affected with CACNA1D-related conditions. ClinVar contains an entry for this variant (Variation ID: 1449169). Variants that disrupt the consensus splice site are a relatively common cause of aberrant splicing (PMID: 17576681, 9536098). Algorithms developed to predict the effect of sequence changes on RNA splicing suggest that this variant is not likely to affect RNA splicing. In summary, the available evidence is currently insufficient to determine the role of this variant in disease. Therefore, it has been classified as a Variant of Uncertain Significance.

Department of Pathology and Laboratory Medicine, Sinai Health System
Classification: Uncertain significance for Sinoatrial node dysfunction and deafness; Aldosterone-producing adenoma with seizures and neurological abnormalities. Last evaluated: 2022-07-20. Review status: criteria provided, single submitter. Criteria: ACMG Guidelines, 2015. Collection method: research. Allele origin: germline.

Blueprint Genetics
Classification: Uncertain significance. Last evaluated: 2021-11-26. Review status: criteria provided, single submitter. Criteria: ACMG Guidelines, 2015. Collection method: clinical testing. Allele origin: germline.

Literature cited by the submitters: PubMed 17576681 (cited by Labcorp Genetics (formerly Invitae), Labcorp); PubMed 9536098 (cited by Labcorp Genetics (formerly Invitae), Labcorp).